The following is an entry in ClinVar:

NM_000322.5(PRPH2):c.628C>T (p.Pro210Ser)

Gene: PRPH2 (peripherin 2; minus strand). Cytogenetic location: 6p21.1.
Variant type: single nucleotide variant.
Coding change: c.628C>T on transcript NM_000322.5 (MANE Select); coding-DNA position 628, C replaced by T.
Protein change: p.Pro210Ser; replaces proline 210 with serine.
Molecular consequence: missense variant.
Genome position (GRCh38, 1-based): chr6:42,704,565, G>A on the plus strand (C>T on the coding strand, the complement: PRPH2 is on the minus strand). VCF-style: chr6-42704565-G-A. GRCh37 (hg19) VCF-style: chr6-42672303-G-A.
Other names: short protein forms P210S.
Identifiers: ClinVar variation 98686 (VCV000098686.54), dbSNP rs61755797, ClinGen allele CA226267.

ClinVar aggregate classification (germline): Pathogenic/Likely pathogenic. Review status: criteria provided, multiple submitters, no conflicts (2 of 4 stars). 7 submissions from 7 submitters: Pathogenic (2); Likely pathogenic (2). 3 of the submissions do not count toward it. Last evaluated 2026-01-26.

Conditions:
PRPH2-related disorder. Also called: PRPH2-related condition; PRPH2-related disorders. Identifiers: MedGen CN239395.
Vitelliform macular dystrophy 2. Also called: Best vitelliform macular dystrophy, multifocal; MACULAR DEGENERATION, POLYMORPHIC VITELLINE; VITELLIFORM MACULAR DYSTROPHY, EARLY-ONSET; VITELLIFORM MACULAR DYSTROPHY, JUVENILE-ONSET; Best Macular Dystrophy; Best Vitelliform Macular Dystrophy (BVMD). Identifiers: Orphanet 1243, MedGen C2745945, MONDO:0007931, OMIM 153700.

Submissions (7):

Labcorp Genetics (formerly Invitae), Labcorp
Classification: Pathogenic for PRPH2-related disorder. Last evaluated: 2026-01-26. Review status: criteria provided, single submitter. Criteria: Invitae Variant Classification Sherloc (09022015). Collection method: clinical testing. Allele origin: germline.
Comment: This sequence change replaces proline, which is neutral and non-polar, with serine, which is neutral and polar, at codon 210 of the PRPH2 protein (p.Pro210Ser). This variant is not present in population databases (gnomAD no frequency). This missense change has been observed in individuals with autosomal dominant retinitis pigmentosa and pattern dystrophy (PMID: 8045710, 12045052). ClinVar contains an entry for this variant (Variation ID: 98686). Invitae Evidence Modeling of protein sequence and biophysical properties (such as structural, functional, and spatial information, amino acid conservation, physicochemical variation, residue mobility, and thermodynamic stability) indicates that this missense variant is expected to disrupt PRPH2 protein function with a positive predictive value of 95%. This variant disrupts the p.Pro210 amino acid residue in PRPH2. Other variant(s) that disrupt this residue have been determined to be pathogenic (PMID: 11139241, 11485765, 16799052, 26796962). This suggests that this residue is clinically significant, and that variants that disrupt this residue are likely to be disease-causing. For these reasons, this variant has been classified as Pathogenic.

Blueprint Genetics
Classification: Pathogenic for PRPH2-related disorders. Last evaluated: 2024-06-17. Review status: criteria provided, single submitter. Criteria: ACMG Guidelines, 2015. Collection method: clinical testing. Allele origin: germline. Affected: yes. Observed: 5 variant alleles.

GeneDx
Classification: Likely pathogenic. Last evaluated: 2023-09-02. Review status: criteria provided, single submitter. Criteria: GeneDx Variant Classification Process June 2021. Collection method: clinical testing. Allele origin: germline. Affected: yes.
Comment: Not observed at significant frequency in large population cohorts (gnomAD); In silico analysis supports that this missense variant has a deleterious effect on protein structure/function; In silico analysis suggests this variant may impact gene splicing. In the absence of RNA/functional studies, the actual effect of this sequence change is unknown.; This variant is associated with the following publications: (PMID: 8045710, 12045052, 35792359, 35119454, 34411390, 36563963, 30718709, 7862413, 16799052)

CeGaT Center for Human Genetics Tuebingen
Classification: Likely pathogenic. Last evaluated: 2017-05-01. Review status: criteria provided, single submitter. Criteria: CeGaT Center For Human Genetics Tuebingen Variant Classification Criteria Version 2. Collection method: clinical testing. Allele origin: germline. Affected: yes. Observed: 1 variant allele.

Leiden Open Variation Database
Classification: Likely pathogenic. Last evaluated: 2021-04-06. Review status: no assertion criteria provided. Collection method: curation. Allele origin: germline. Affected: yes. Not counted in ClinVar's aggregate classification.
Comment: Curator: Global Variome, with Curator vacancy. Submitter to LOVD: Manon Peeters.

Department of Clinical Genetics, Copenhagen University Hospital, Rigshospitalet
Classification: Likely pathogenic for Vitelliform macular dystrophy type 2. Last evaluated: 2018-04-01. Review status: no assertion criteria provided. Collection method: research. Allele origin: unknown. Affected: yes. Study: VeluxRD. Not counted in ClinVar's aggregate classification.

Retina International
No classification provided. Review status: no classification provided. Collection method: not provided. Allele origin: not provided. Not counted in ClinVar's aggregate classification.

Literature cited by the submitters: PubMed 8045710 (cited by Labcorp Genetics (formerly Invitae), Labcorp and Leiden Open Variation Database); PubMed 12045052 (cited by Labcorp Genetics (formerly Invitae), Labcorp); PubMed 11139241 (cited by Labcorp Genetics (formerly Invitae), Labcorp); PubMed 11485765 (cited by Labcorp Genetics (formerly Invitae), Labcorp); PubMed 16799052 (cited by Labcorp Genetics (formerly Invitae), Labcorp); PubMed 26796962 (cited by Labcorp Genetics (formerly Invitae), Labcorp); PubMed 30718709 (cited by Department of Clinical Genetics, Copenhagen University Hospital, Rigshospitalet).